The following is an entry in ClinVar:

NM_002519.3(NPAT):c.3586C>G (p.Arg1196Gly)

Gene: NPAT (nuclear protein, coactivator of histone transcription; minus strand). Cytogenetic location: 11q22.3.
Variant type: single nucleotide variant.
Coding change: c.3586C>G on transcript NM_002519.3 (MANE Select); coding-DNA position 3586, C replaced by G.
Protein change: p.Arg1196Gly; replaces arginine 1196 with glycine.
Molecular consequence: missense variant.
Genome position (GRCh38, 1-based): chr11:108,161,500, G>C on the plus strand (C>G on the coding strand, the complement: NPAT is on the minus strand). VCF-style: chr11-108161500-G-C. GRCh37 (hg19) VCF-style: chr11-108032227-G-C.
Other names: c.3607C>G, p.Arg1203Gly (NM_001321307.1); short protein forms R1203G, R1196G.
Identifiers: ClinVar variation 1732943 (VCV001732943.2), dbSNP rs747180482, ClinGen allele CA6263559.

ClinVar aggregate classification (germline): Uncertain significance (1 of 4 stars; one submission).

Allele frequency attached by ClinVar (database versions not stated): ExAC 0.00001; TOPMed 0.00001.

Submission:

Ambry Genetics
Classification: Uncertain significance. Last evaluated: 2021-08-02. Review status: criteria provided, single submitter. Criteria: Ambry Variant Classification Scheme 2023. Collection method: clinical testing. Allele origin: germline.
Comment: The p.R1196G variant (also known as c.3586C>G), located in coding exon 17 of the NPAT gene, results from a C to G substitution at nucleotide position 3586. The arginine at codon 1196 is replaced by glycine, an amino acid with dissimilar properties. This amino acid position is conserved. In addition, this alteration is predicted to be tolerated by in silico analysis. Since supporting evidence is limited at this time, the clinical significance of this alteration remains unclear.